The following is an entry in ClinVar:

ClinVar aggregate classification (germline): Uncertain significance (1 of 4 stars; one submission).

Conditions:
Cardiovascular phenotype. Identifiers: MedGen CN230736.

Allele frequency attached by ClinVar (database versions not stated): ExAC 0.00001; gnomAD exomes 0.00001.
gnomAD v4.1: 4 of 1,611,058 alleles (0.00025%); highest among the groups gnomAD compares: South Asian, 0.0033%; no homozygotes.

Submission:

Ambry Genetics
Classification: Uncertain significance for Cardiovascular phenotype. Last evaluated: 2019-05-22. Review status: criteria provided, single submitter. Criteria: Ambry Variant Classification Scheme 2023. Collection method: clinical testing. Allele origin: germline.
Comment: The c.31841-3T>C intronic variant results from a T to C substitution 3 nucleotides upstream from coding exon 127 in the TTN gene. This nucleotide position is not well conserved in available vertebrate species. Using the BDGP and ESEfinder splice site prediction tools, this alteration is not predicted to have any significant effect on this splice acceptor site; however, direct evidence is unavailable. Since supporting evidence is limited at this time, the clinical significance of this alteration remains unclear.

NM_001267550.2(TTN):c.59036-3T>C

Genes: TTN (titin; minus strand), TTN-AS1 (TTN antisense RNA 1; plus strand). Cytogenetic location: 2q31.2.
Variant type: single nucleotide variant.
Coding change: c.59036-3T>C on transcript NM_001267550.2 (MANE Select); 3 bases into the intron before coding-DNA position 59036, T replaced by C.
Molecular consequence: intron variant.
Genome position (GRCh38, 1-based): chr2:178,593,086, A>G on the plus strand (T>C on the coding strand, the complement: TTN is on the minus strand). VCF-style: chr2-178593086-A-G. GRCh37 (hg19) VCF-style: chr2-179457813-A-G.
Other names: c.51332-3T>C (NM_133378.4); c.54113-3T>C (NM_001256850.1); c.31841-3T>C (NM_003319.4); c.32417-3T>C (NM_133437.4); c.32216-3T>C (NM_133432.3).
Identifiers: ClinVar variation 1728570 (VCV001728570.2), dbSNP rs765010070, ClinGen allele CA1992726.